The following is an entry in ClinVar:

NM_000488.4(SERPINC1):c.1262_1263del (p.Val421fs)

Gene: SERPINC1 (serpin family C member 1; minus strand). Cytogenetic location: 1q25.1.
Variant type: Microsatellite.
Coding change: c.1262_1263del on transcript NM_000488.4 (MANE Select); coding-DNA positions 1262 to 1263, 2 bases deleted (TG; older notation c.1262_1263delTG).
Protein change: p.Val421fs; shifts the reading frame from valine 421.
Molecular consequence: frameshift variant.
Genome position (GRCh38, 1-based): chr1:173,904,021-173,904,022, CA deleted on the plus strand (TG on the coding strand, the reverse complement: SERPINC1 is on the minus strand); deleting any 2 consecutive bases within chr1:173,904,021-173,904,024 gives the same sequence; the c. name uses the placement nearest the transcript's 3' end. VCF-style (leftmost placement, unchanged base first): chr1-173904020-TCA-T. GRCh37 (hg19) VCF-style: chr1-173873158-TCA-T.
Other names: p.Val421Aspfs*43; c.1262_1263del (NM_000488.3); c.1260_1261TG[1], p.Val421Aspfs (NM_000488.3); c.1118_1119del, p.Val373fs (NM_001365052.2); c.1385_1386del, p.Val462fs (NM_001386302.1); c.1343_1344del, p.Val448fs (NM_001386303.1); c.1241_1242del, p.Val414fs (NM_001386304.1); c.1205_1206del, p.Val402fs (NM_001386305.1); and 1 more; short protein forms V421fs, V448fs, V462fs, V402fs, V414fs, V349fs, V373fs.
Identifiers: ClinVar variation 4541907 (VCV004541907.1).

ClinVar aggregate classification (germline): Likely pathogenic (1 of 4 stars; one submission).

Submission:

Mayo Clinic Laboratories, Mayo Clinic
Classification: Likely pathogenic. Last evaluated: 2024-10-02. Review status: criteria provided, single submitter. Criteria: ACMG Guidelines, 2015. Collection method: clinical testing. Allele origin: germline. Observed: 1 variant allele.
Comment: PM2_supporting, PM5_supporting, PVS1_strong

Literature cited by the submitters: PubMed 36214221; PubMed 9031473.